The following is an entry in ClinVar:

NM_001009944.3(PKD1):c.12316C>T (p.Leu4106Phe)

Gene: PKD1 (polycystin 1, transient receptor potential channel interacting; minus strand). Cytogenetic location: 16p13.3.
Variant type: single nucleotide variant.
Coding change: c.12316C>T on transcript NM_001009944.3 (MANE Select); coding-DNA position 12316, C replaced by T.
Protein change: p.Leu4106Phe; replaces leucine 4106 with phenylalanine.
Molecular consequence: missense variant.
Genome position (GRCh38, 1-based): chr16:2,090,413, G>A on the plus strand (C>T on the coding strand, the complement: PKD1 is on the minus strand). VCF-style: chr16-2090413-G-A. GRCh37 (hg19) VCF-style: chr16-2140414-G-A.
Other names: c.12313C>T, p.Leu4105Phe (NM_000296.4); c.12313C>T (NM_000296.3); short protein forms L4105F, L4106F.
Identifiers: ClinVar variation 3355840 (VCV003355840.2).

ClinVar aggregate classification (germline): Uncertain significance. Review status: criteria provided, single submitter (1 of 4 stars). 2 submissions from 2 submitters: Uncertain significance (1). 1 of the submissions does not count toward it. Last evaluated 2025-06-18.

Conditions:
PKD1-related disorder. Also called: PKD1-related condition.
Inborn genetic diseases. Identifiers: MedGen C0950123, MeSH D030342.

gnomAD v4.1: 8 of 1,612,490 alleles (0.0005%); highest among the groups gnomAD compares: Non-Finnish European, 0.00059%; no homozygotes.

Submissions (2):

Ambry Genetics
Classification: Uncertain significance for Inborn genetic diseases. Last evaluated: 2025-06-18. Review status: criteria provided, single submitter. Criteria: Ambry Variant Classification Scheme 2023. Collection method: clinical testing. Allele origin: germline.

PreventionGenetics, part of Exact Sciences
Classification: Uncertain significance for PKD1-related condition. Last evaluated: 2024-03-23. Review status: no assertion criteria provided. Collection method: clinical testing. Allele origin: germline. Not counted in ClinVar's aggregate classification.
Comment: The PKD1 c.12316C>T variant is predicted to result in the amino acid substitution p.Leu4106Phe. To our knowledge, this variant has not been reported in the literature. This variant is reported in 0.0018% of alleles in individuals of European (Non-Finnish) descent in gnomAD. At this time, the clinical significance of this variant is uncertain due to the absence of conclusive functional and genetic evidence.